The following is an entry in ClinVar:

NM_014321.4(ORC6):c.275T>C (p.Leu92Pro)

Gene: ORC6 (origin recognition complex subunit 6; plus strand). Cytogenetic location: 16q11.2.
Variant type: single nucleotide variant.
Coding change: c.275T>C on transcript NM_014321.4 (MANE Select); coding-DNA position 275, T replaced by C.
Protein change: p.Leu92Pro; replaces leucine 92 with proline.
Molecular consequence: missense variant. On other transcripts: non-coding transcript variant (1).
Genome position (GRCh38, 1-based): chr16:46,692,461, T>C. VCF-style: chr16-46692461-T-C. GRCh37 (hg19) VCF-style: chr16-46726373-T-C.
Other names: c.275T>C (NM_014321.3); short protein forms L92P.
Identifiers: ClinVar variation 2191285 (VCV002191285.5), dbSNP rs1288023951, ClinGen allele CA395818376.

ClinVar aggregate classification (germline): Uncertain significance. Review status: criteria provided, multiple submitters, no conflicts (2 of 4 stars). 2 submissions from 2 submitters: Uncertain significance (2). Last evaluated 2025-03-07.

Conditions:
Inborn genetic diseases. Identifiers: MedGen C0950123, MeSH D030342.

Allele frequency attached by ClinVar (database versions not stated): gnomAD 0.00001; gnomAD exomes 0.00001.
gnomAD v4.1: 16 of 1,613,252 alleles (0.00099%); highest among the groups gnomAD compares: Admixed American, 0.005%; no homozygotes.

Submissions (2):

Ambry Genetics
Classification: Uncertain significance for Inborn genetic diseases. Last evaluated: 2025-03-07. Review status: criteria provided, single submitter. Criteria: Ambry Variant Classification Scheme 2023. Collection method: clinical testing. Allele origin: germline.

Labcorp Genetics (formerly Invitae), Labcorp
Classification: Uncertain significance. Last evaluated: 2025-01-13. Review status: criteria provided, single submitter. Criteria: Invitae Variant Classification Sherloc (09022015). Collection method: clinical testing. Allele origin: germline.
Comment: This sequence change replaces leucine, which is neutral and non-polar, with proline, which is neutral and non-polar, at codon 92 of the ORC6 protein (p.Leu92Pro). This variant is present in population databases (no rsID available, gnomAD 0.02%). This variant has not been reported in the literature in individuals affected with ORC6-related conditions. ClinVar contains an entry for this variant (Variation ID: 2191285). Invitae Evidence Modeling of protein sequence and biophysical properties (such as structural, functional, and spatial information, amino acid conservation, physicochemical variation, residue mobility, and thermodynamic stability) indicates that this missense variant is not expected to disrupt ORC6 protein function with a negative predictive value of 80%. In summary, the available evidence is currently insufficient to determine the role of this variant in disease. Therefore, it has been classified as a Variant of Uncertain Significance.